The following is an entry in ClinVar:

NM_025074.7(FRAS1):c.6010G>A (p.Gly2004Ser)

Gene: FRAS1 (Fraser extracellular matrix complex subunit 1; plus strand). Cytogenetic location: 4q21.21.
Variant type: single nucleotide variant.
Coding change: c.6010G>A on transcript NM_025074.7 (MANE Select); coding-DNA position 6010, G replaced by A.
Protein change: p.Gly2004Ser; replaces glycine 2004 with serine.
Molecular consequence: missense variant.
Genome position (GRCh38, 1-based): chr4:78,446,880, G>A. VCF-style: chr4-78446880-G-A. GRCh37 (hg19) VCF-style: chr4-79368034-G-A.
Other names: p.(Gly2004Ser); NC_000004.11:g.79368034G>A; short protein forms G2004S.
Identifiers: ClinVar variation 916663 (VCV000916663.4), dbSNP rs771251344, ClinGen allele CA2977676.

ClinVar aggregate classification (germline): Pathogenic/Likely pathogenic. Review status: criteria provided, multiple submitters, no conflicts (2 of 4 stars). 3 submissions from 3 submitters: Pathogenic (1); Likely pathogenic (2). Last evaluated 2025-07-21.

Conditions:
Fraser syndrome 1 (FRASRS1). Also called: CRYPTOPHTHALMOS WITH OTHER MALFORMATIONS. Identifiers: Orphanet 2052, MedGen C4551480, MONDO:0054737, OMIM 219000.

Allele frequency attached by ClinVar (database versions not stated): ExAC 0.00001; gnomAD 0.00001.
gnomAD v4.1: 4 of 1,604,110 alleles (0.00025%); highest among the groups gnomAD compares: South Asian, 0.0011%; no homozygotes.

Submissions (4):

Women's Health and Genetics/Laboratory Corporation of America, LabCorp
Classification: Likely pathogenic for Fraser syndrome 1. Last evaluated: 2025-07-21. Review status: criteria provided, single submitter. Criteria: LabCorp Variant Classification Summary - May 2015. Collection method: clinical testing. Allele origin: germline.
Comment: Variant summary: FRAS1 c.6010G>A is located in a canonical splice-site and is predicted to affect mRNA splicing resulting in a significantly altered protein due to either exon skipping, shortening, or inclusion of intronic material. Variants that disrupt the consensus splice site are a relatively common cause of aberrant splicing and loss of FRAS1 function. Several computational tools predict a significant impact on normal splicing: Three predict the variant abolishes a 5' splicing donor site. One predict the variant weakens a 5' donor site. However, these predictions have yet to be confirmed by functional studies. The frequency data for this variant in gnomAD is considered unreliable, as metrics indicate poor data quality at this position. c.6010G>A has been observed in an individual affected with Cryptophthalmos Syndrome/Fraser syndrome 1 (Stals_2018). To our knowledge, no experimental evidence demonstrating an impact on protein function has been reported. The following publication have been ascertained in the context of this evaluation (PMID: 29096039). ClinVar contains an entry for this variant (Variation ID: 916663). Based on the evidence outlined above, the variant was classified as likely pathogenic.

Center of Genomic medicine, Geneva, University Hospital of Geneva
Classification: Likely pathogenic for Fraser syndrome 1. Last evaluated: 2023-09-28. Review status: criteria provided, single submitter. Criteria: ACMG Guidelines, 2015. Collection method: clinical testing. Allele origin: paternal. Affected: yes. Observed: 2 variant alleles.

Service de Biochimie Médicale et Biologie Moléculaire, CHU Clermont-Ferrand
Classification: Pathogenic for Fraser syndrome 1. Last evaluated: 2018-09-14. Review status: criteria provided, single submitter. Criteria: ACMG Guidelines, 2015. Collection method: clinical testing. Allele origin: inherited. Inheritance: Autosomal recessive inheritance. Affected: yes.
Comment: This variant in homozygous state or compound heterozygous state induced Fraser syndrome phenotype

Dr. Peter K. Rogan Lab, Western University
No classification provided (evidence only). Condition: Thyroid cancer, nonmedullary, 1. Review status: no classification provided. Collection method: in vitro. Allele origin: not applicable. Functional consequence: skipped exon. Not counted in ClinVar's aggregate classification.

Literature cited by the submitters: PubMed 29096039 (cited by Women's Health and Genetics/Laboratory Corporation of America, LabCorp).